The following is an entry in ClinVar:

ClinVar aggregate classification (germline): Pathogenic. Review status: criteria provided, multiple submitters, no conflicts (2 of 4 stars). 2 submissions from 2 submitters: Pathogenic (2). Last evaluated 2023-09-18.

Conditions:
Hereditary cancer-predisposing syndrome. Also called: Tumor predisposition; Hereditary Cancer Syndrome; Neoplastic Syndromes, Hereditary; Hereditary neoplastic syndrome. Identifiers: Orphanet 140162, MedGen C0027672, MeSH D009386, MONDO:0015356.
Lynch syndrome 4 (LYNCH4). Also called: Colorectal cancer, hereditary nonpolyposis, type 4; Hereditary non-polyposis colorectal cancer, type 4. Identifiers: Orphanet 144, MedGen C1838333, MONDO:0013699, OMIM 614337. Disease mechanism: loss of function.

Submissions (2):

Myriad Genetics, Inc.
Classification: Pathogenic for Lynch syndrome 4. Last evaluated: 2023-09-18. Review status: criteria provided, single submitter. Criteria: Myriad Autosomal Dominant, Autosomal Recessive and X-Linked Classification Criteria (2023). Collection method: clinical testing. Allele origin: unknown.
Comment: This variant is considered pathogenic. This variant creates a frameshift predicted to result in premature protein truncation.

Ambry Genetics
Classification: Pathogenic for Hereditary cancer-predisposing syndrome. Last evaluated: 2020-03-11. Review status: criteria provided, single submitter. Criteria: Ambry Variant Classification Scheme 2023. Collection method: clinical testing. Allele origin: germline.
Comment: The c.267_268insGATA pathogenic mutation, located in coding exon 4 of the PMS2 gene, results from an insertion of 4 nucleotides at position 267, causing a translational frameshift with a predicted alternate stop codon (p.S90Dfs*3). This alteration is expected to result in loss of function by premature protein truncation or nonsense-mediated mRNA decay. As such, this alteration is interpreted as a disease-causing mutation.

NM_000535.7(PMS2):c.267_268insGATA (p.Ser90fs)

Gene: PMS2 (PMS1 homolog 2, mismatch repair system component; minus strand). Cytogenetic location: 7p22.1.
Variant type: Insertion.
Coding change: c.267_268insGATA on transcript NM_000535.7 (MANE Select); coding-DNA positions 267 to 268, GATA inserted.
Protein change: p.Ser90fs; shifts the reading frame from serine 90.
Molecular consequence: frameshift variant. On other transcripts: 5 prime UTR variant (9), non-coding transcript variant (1), intron variant (2).
Genome position: GRCh38 VCF-style: chr7-6003775-A-ATATC. GRCh37 (hg19) VCF-style: chr7-6043406-A-ATATC.
Other names: c.-140_-139insAGAT (NM_001018040.1, NM_001406887.1, NM_001406891.1 and 8 more transcripts); c.-139_-138insGATA (NM_001322003.2, NM_001322004.2, NM_001322005.2 and 3 more transcripts); c.267_268insGATA, p.Ser90fs (NM_001322006.2, NM_001322014.2); c.-618_-617insGATA (NM_001322011.2, NM_001322012.2); c.-218_-217insGATA (NM_001322015.2); c.452_453insAGAT, p.Ser152Aspfs (NM_001406866.1); c.290_291insAGAT, p.Ser98Aspfs (NM_001406868.1); c.266_267insAGAT, p.Ser90Aspfs (NM_001406869.1, NM_001406870.1, NM_001406871.1 and 6 more transcripts); and 6 more; short protein forms S90fs.
Identifiers: ClinVar variation 1794542 (VCV001794542.3), dbSNP rs2536500736, ClinGen allele CA2580077022.